The following is an entry in ClinVar:

NM_001079855.2(GYG2):c.838-233T>C

Gene: GYG2 (glycogenin 2; plus strand). Cytogenetic location: Xp22.33.
Variant type: single nucleotide variant.
Coding change: c.838-233T>C on transcript NM_001079855.2 (MANE Select); 233 bases into the intron before coding-DNA position 838, T replaced by C.
Molecular consequence: intron variant.
Genome position (GRCh38, 1-based): chrX:2,861,289, T>C. VCF-style: chrX-2861289-T-C. GRCh37 (hg19) VCF-style: chrX-2779330-T-C.
Other names: c.931-233T>C (NM_003918.3, NM_001184703.2); c.838-233T>C (NM_001184702.2); c.373-233T>C (NM_001184704.2).
Identifiers: ClinVar variation 684131 (VCV000684131.1), dbSNP rs10871871, ClinGen allele CA15043469.
Genomic context (GRCh38, chrX:2,861,289, plus strand): 5'-CTTCACAAACATTGACTTGTCACATATTTCCTGCTGGGCGTTTTGCTAAGTACTGGATTA[T>C]TAAGTACTGGATTACTAAGTACTGGATTACTAAGTACTGGATTGCATAGGAGGGAATTTT-3'

ClinVar aggregate classification (germline): Benign (1 of 4 stars; one submission).

Allele frequency attached by ClinVar (database versions not stated): TOPMed 0.63246 and 0.64202; 1000 Genomes Project 0.61457; gnomAD 0.64417.

Submission:

GeneDx
Classification: Benign. Last evaluated: 2018-06-14. Review status: criteria provided, single submitter. Criteria: GeneDx Variant Classification (06012015). Collection method: clinical testing. Allele origin: germline. Affected: yes.
Comment: This variant is considered likely benign or benign based on one or more of the following criteria: it is a conservative change, it occurs at a poorly conserved position in the protein, it is predicted to be benign by multiple in silico algorithms, and/or has population frequency not consistent with disease.